The following is an entry in ClinVar:

NM_005257.6(GATA6):c.1457_1458del (p.Glu486fs)

Gene: GATA6 (GATA binding protein 6; plus strand). Cytogenetic location: 18q11.2.
Variant type: Microsatellite.
Coding change: c.1457_1458del on transcript NM_005257.6 (MANE Select); coding-DNA positions 1457 to 1458, 2 bases deleted (AG; older notation c.1457_1458delAG).
Protein change: p.Glu486fs; shifts the reading frame from glutamic acid 486.
Molecular consequence: frameshift variant.
Genome position (GRCh38, 1-based): chr18:22,182,785-22,182,786, AG deleted; deleting any 2 consecutive bases within chr18:22,182,783-22,182,786 gives the same sequence; the c. name uses the placement nearest the transcript's 3' end. VCF-style (leftmost placement, unchanged base first): chr18-22182782-AAG-A. GRCh37 (hg19) VCF-style: chr18-19762743-AAG-A.
Other names: c.1457_1458del (NM_005257.5); short protein forms E486fs.
Identifiers: ClinVar variation 30206 (VCV000030206.7), dbSNP rs1598737972, ClinGen allele CA913184950.

ClinVar aggregate classification (germline): Pathogenic. Review status: criteria provided, single submitter (1 of 4 stars). 2 submissions from 2 submitters: Pathogenic (1). 1 of the submissions does not count toward it. Last evaluated 2021-10-28.

Conditions:
Atrioventricular septal defect 5 (AVSD5). Identifiers: MedGen C3280939, MONDO:0013769, OMIM 614474.
Persistent truncus arteriosus. Also called: Truncus arteriosus; Truncus arteriosus communis. Identifiers: Orphanet 3384, MedGen C0041207, MONDO:0018072, HP:0001660.

Submissions (2):

Labcorp Genetics (formerly Invitae), Labcorp
Classification: Pathogenic for Atrioventricular septal defect 5. Last evaluated: 2021-10-28. Review status: criteria provided, single submitter. Criteria: Invitae Variant Classification Sherloc (09022015). Collection method: clinical testing. Allele origin: germline.
Comment: This variant is not present in population databases (gnomAD no frequency). For these reasons, this variant has been classified as Pathogenic. ClinVar contains an entry for this variant (Variation ID: 30206). This variant is also known as 1456–1457delGA, E486del. This premature translational stop signal has been observed in individual(s) with clinical features of GATA6-related conditions (PMID: 19666519). This sequence change creates a premature translational stop signal (p.Glu486Glyfs*10) in the GATA6 gene. It is expected to result in an absent or disrupted protein product. Loss-of-function variants in GATA6 are known to be pathogenic (PMID: 22158542, 24310933).

OMIM
Classification: Pathogenic for PERSISTENT TRUNCUS ARTERIOSUS. Last evaluated: 2009-08-18. Review status: no assertion criteria provided. Collection method: literature only. Allele origin: germline. Not counted in ClinVar's aggregate classification.

Literature cited by the submitters: PubMed 19666519 (cited by Labcorp Genetics (formerly Invitae), Labcorp and OMIM); PubMed 22158542 (cited by Labcorp Genetics (formerly Invitae), Labcorp); PubMed 24310933 (cited by Labcorp Genetics (formerly Invitae), Labcorp).